The following is an entry in ClinVar:

ClinVar aggregate classification (germline): Likely pathogenic (0 of 4 stars; one submission).

Conditions:
Congenital secretory diarrhea, chloride type (DIAR1). Also called: DIARRHEA 1, SECRETORY CHLORIDE, CONGENITAL; CHLORIDORRHEA, CONGENITAL; CHLORIDE DIARRHEA, CONGENITAL, FINNISH TYPE. Identifiers: Orphanet 53689, MedGen C0267662, MONDO:0008964, OMIM 214700.

Submission:

Juha Muilu Group; Institute for Molecular Medicine Finland (FIMM)
Classification: Likely pathogenic for Congenital secretory diarrhea, chloride type. Review status: no assertion criteria provided. Collection method: not provided. Allele origin: unknown.
Comment: FinDis database variant: This variant was not found or characterized by our laboratory, data were collected from public sources: see reference
ClinVar note: Converted during submission from probable-pathogenic to Likely pathogenic.

NM_000111.3(SLC26A3):c.1563G>C (p.Lys521Asn)

Gene: SLC26A3 (solute carrier family 26 member 3; minus strand). Cytogenetic location: 7q22.3.
Variant type: single nucleotide variant.
Coding change: c.1563G>C on transcript NM_000111.3 (MANE Select); coding-DNA position 1563, G replaced by C.
Protein change: p.Lys521Asn; replaces lysine 521 with asparagine.
Molecular consequence: missense variant.
Genome position (GRCh38, 1-based): chr7:107,776,658, C>G on the plus strand (G>C on the coding strand, the complement: SLC26A3 is on the minus strand). VCF-style: chr7-107776658-C-G. GRCh37 (hg19) VCF-style: chr7-107417103-C-G.
Other names: short protein forms K521N.
Identifiers: ClinVar variation 55981 (VCV000055981.2), dbSNP rs386833463, ClinGen allele CA144067.
Genomic context (GRCh38, chr7:107,776,658, plus strand): 5'-TCATTTAGCAAGTCAAAGAAAAACATGAATCTCCCTTACATCATAATAATCTTTTTTATT[C>G]TTATAGATGTTGGTTCTTCCAATATTAGCCAGCGTGCTGCATTTTGGACTGTAGGGAGAA-3'
Protein context (NP_000102.1, residues 511-531): LANIGRTNIY[Lys521Asn]NKKDYYDMYE